The following is an entry in ClinVar:

NM_017780.4(CHD7):c.6758A>T (p.Glu2253Val)

Gene: CHD7 (chromodomain helicase DNA binding protein 7; plus strand). Cytogenetic location: 8q12.2.
Variant type: single nucleotide variant.
Coding change: c.6758A>T on transcript NM_017780.4 (MANE Select); coding-DNA position 6758, A replaced by T.
Protein change: p.Glu2253Val; replaces glutamic acid 2253 with valine.
Molecular consequence: missense variant. On other transcripts: intron variant (1).
Genome position (GRCh38, 1-based): chr8:60,853,483, A>T. VCF-style: chr8-60853483-A-T. GRCh37 (hg19) VCF-style: chr8-61766042-A-T.
Other names: c.1717-8746A>T (NM_001316690.1); short protein forms E2253V.
Identifiers: ClinVar variation 2303513 (VCV002303513.5), dbSNP rs1805571750, ClinGen allele CA371326268.
Genomic context (GRCh38, chr8:60,853,483, plus strand): 5'-CAGAGAAAGGTTCCGAAGAGGATGAAGAGGAAAAGCTGGAGGATGACGATAAGTCGGAAG[A>T]GTCTTCCCAGCCCGAAGGTAAGGCCTTACCACTGGCCCCTCTCCTGACCCTGCAGCAGCT-3'
Protein context (NP_060250.2, residues 2243-2263): EKLEDDDKSE[Glu2253Val]SSQPEAGAVS

ClinVar aggregate classification (germline): Uncertain significance. Review status: criteria provided, multiple submitters, no conflicts (2 of 4 stars). 2 submissions from 2 submitters: Uncertain significance (2). Last evaluated 2025-09-08.

Conditions:
Inborn genetic diseases. Identifiers: MedGen C0950123, MeSH D030342.
CHARGE syndrome (CHARGE). Also called: Hittner Hirsch Kreh syndrome; CHARGE ASSOCIATION--COLOBOMA, HEART ANOMALY, CHOANAL ATRESIA, RETARDATION, GENITAL AND EAR ANOMALIES; Coloboma, heart anomaly, choanal atresia, retardation, genital and ear anomalies; CHARGE association; Hall-Hittner syndrome. Identifiers: Orphanet 138, MedGen C0265354, MONDO:0008965.

Submissions (2):

Labcorp Genetics (formerly Invitae), Labcorp
Classification: Uncertain significance for CHARGE syndrome. Last evaluated: 2025-09-08. Review status: criteria provided, single submitter. Criteria: Invitae Variant Classification Sherloc (09022015). Collection method: clinical testing. Allele origin: germline.
Comment: This sequence change replaces glutamic acid, which is acidic and polar, with valine, which is neutral and non-polar, at codon 2253 of the CHD7 protein (p.Glu2253Val). This variant is not present in population databases (gnomAD no frequency). This variant has not been reported in the literature in individuals affected with CHD7-related conditions. ClinVar contains an entry for this variant (Variation ID: 2303513). Invitae Evidence Modeling of protein sequence and biophysical properties (such as structural, functional, and spatial information, amino acid conservation, physicochemical variation, residue mobility, and thermodynamic stability) indicates that this missense variant is not expected to disrupt CHD7 protein function with a negative predictive value of 95%. In summary, the available evidence is currently insufficient to determine the role of this variant in disease. Therefore, it has been classified as a Variant of Uncertain Significance.

Ambry Genetics
Classification: Uncertain significance for Inborn genetic diseases. Last evaluated: 2022-07-26. Review status: criteria provided, single submitter. Criteria: Ambry Variant Classification Scheme 2023. Collection method: clinical testing. Allele origin: germline.